The following is an entry in ClinVar:

NM_006312.6(NCOR2):c.6600C>G (p.Gly2200=)

Gene: NCOR2 (nuclear receptor corepressor 2; minus strand). Cytogenetic location: 12q24.31.
Variant type: single nucleotide variant.
Coding change: c.6600C>G on transcript NM_006312.6 (MANE Select); coding-DNA position 6600, C replaced by G.
Protein change: p.Gly2200=; no amino-acid change (glycine 2200 retained).
Molecular consequence: synonymous variant.
Genome position (GRCh38, 1-based): chr12:124,334,429, G>C on the plus strand (C>G on the coding strand, the complement: NCOR2 is on the minus strand). VCF-style: chr12-124334429-G-C. GRCh37 (hg19) VCF-style: chr12-124818975-G-C.
Other names: c.6570C>G, p.Gly2190= (NM_001077261.4, NM_001206654.2).
Identifiers: ClinVar variation 2643549 (VCV002643549.24), dbSNP rs369612880, ClinGen allele CA6867459.

ClinVar aggregate classification (germline): Likely benign (1 of 4 stars; one submission).

Allele frequency attached by ClinVar (database versions not stated): gnomAD 0.00005; TOPMed 0.00005; gnomAD exomes 0.00011; ExAC 0.00045.
gnomAD v4.1: 158 of 1,508,478 alleles (0.01%); highest among the groups gnomAD compares: South Asian, 0.094%; no homozygotes.

Submission:

CeGaT Center for Human Genetics Tuebingen
Classification: Likely benign. Last evaluated: 2022-10-01. Review status: criteria provided, single submitter. Criteria: CeGaT Center For Human Genetics Tuebingen Variant Classification Criteria Version 2. Collection method: clinical testing. Allele origin: germline. Affected: yes. Observed: 1 variant allele.
Comment: NCOR2: BP4, BP7